The following is an entry in ClinVar:

ClinVar aggregate classification (germline): Conflicting classifications of pathogenicity. Review status: criteria provided, conflicting classifications (1 of 4 stars). 5 submissions from 5 submitters: Uncertain significance (1); Likely benign (2). 2 of the submissions do not count toward it. Last evaluated 2026-02-02.

Conditions:
Bardet-Biedl syndrome 2 (BBS2). Identifiers: Orphanet 110, MedGen C2936863, MONDO:0014432, OMIM 615981.
BBS2-related disorder. Also called: BBS2-related disorders; BBS2-related condition. Identifiers: MedGen CN239228.
Bardet-Biedl syndrome (BBS). Identifiers: Orphanet 110, MedGen C0752166, MONDO:0015229.

Allele frequency attached by ClinVar (database versions not stated): ExAC 0.00001; gnomAD 0.00002; TOPMed 0.00002; gnomAD exomes 0.00003.
gnomAD v4.1: 37 of 1,600,458 alleles (0.0023%); highest among the groups gnomAD compares: Admixed American, 0.01%; no homozygotes.

Submissions (5):

Labcorp Genetics (formerly Invitae), Labcorp
Classification: Likely benign for Bardet-Biedl syndrome. Last evaluated: 2026-02-02. Review status: criteria provided, single submitter. Criteria: Invitae Variant Classification Sherloc (09022015). Collection method: clinical testing. Allele origin: germline.

Blueprint Genetics
Classification: Likely benign. Last evaluated: 2023-04-13. Review status: criteria provided, single submitter. Criteria: ACMG Guidelines, 2015. Collection method: clinical testing. Allele origin: germline.

Illumina Laboratory Services, Illumina
Classification: Uncertain significance for Bardet-Biedl syndrome 2. Last evaluated: 2018-01-13. Review status: criteria provided, single submitter. Criteria: ICSL Variant Classification Criteria 13 December 2019. Collection method: clinical testing. Allele origin: germline.

PreventionGenetics, part of Exact Sciences
Classification: Likely benign for BBS2-related condition. Last evaluated: 2020-01-10. Review status: no assertion criteria provided. Collection method: clinical testing. Allele origin: germline. Not counted in ClinVar's aggregate classification.
Comment: This variant is classified as likely benign based on ACMG/AMP sequence variant interpretation guidelines (Richards et al. 2015 PMID: 25741868, with internal and published modifications).

Counsyl
Classification: Likely benign for Bardet-Biedl syndrome 2. Last evaluated: 2017-11-27. Review status: no assertion criteria provided. Collection method: clinical testing. Allele origin: unknown. Not counted in ClinVar's aggregate classification.

NM_031885.5(BBS2):c.1910+9T>G

Gene: BBS2 (Bardet-Biedl syndrome 2; minus strand). Cytogenetic location: 16q13.
Variant type: single nucleotide variant.
Coding change: c.1910+9T>G on transcript NM_031885.5 (MANE Select); 9 bases into the intron after coding-DNA position 1910, T replaced by G.
Molecular consequence: intron variant.
Genome position (GRCh38, 1-based): chr16:56,496,958, A>C on the plus strand (T>G on the coding strand, the complement: BBS2 is on the minus strand). VCF-style: chr16-56496958-A-C. GRCh37 (hg19) VCF-style: chr16-56530870-A-C.
Other names: c.1910+9T>G (NM_001377456.1).
Identifiers: ClinVar variation 319850 (VCV000319850.17), dbSNP rs751604858, ClinGen allele CA8065592.